The following is an entry in ClinVar:

NM_004360.5(CDH1):c.417G>C (p.Leu139Phe)

Gene: CDH1 (cadherin 1; plus strand). Cytogenetic location: 16q22.1.
Variant type: single nucleotide variant.
Coding change: c.417G>C on transcript NM_004360.5 (MANE Select); coding-DNA position 417, G replaced by C.
Protein change: p.Leu139Phe; replaces leucine 139 with phenylalanine.
Molecular consequence: missense variant. On other transcripts: 5 prime UTR variant (2).
Genome position (GRCh38, 1-based): chr16:68,808,453, G>C. VCF-style: chr16-68808453-G-C. GRCh37 (hg19) VCF-style: chr16-68842356-G-C.
Other names: c.417G>C, p.Leu139Phe (NM_001317184.2); c.-1199G>C (NM_001317185.2); c.-1403G>C (NM_001317186.2); short protein forms L139F.
Identifiers: ClinVar variation 582184 (VCV000582184.16), dbSNP rs1057521858, ClinGen allele CA396457575.
Genomic context (GRCh38, chr16:68,808,453, plus strand): 5'-TTATCTTGTTCCTCATCTTCTTTCCTTTTAGGCCTCCGTTTCTGGAATCCAAGCAGAATT[G>C]CTCACATTTCCCAACTCCTCTCCTGGCCTCAGAAGACAGAAGAGAGACTGGGTTATTCCT-3'
Protein context (NP_004351.1, residues 129-149): QASVSGIQAE[Leu139Phe]LTFPNSSPGL

ClinVar aggregate classification (germline): Conflicting classifications of pathogenicity. Review status: criteria provided, conflicting classifications (1 of 4 stars). 4 submissions from 4 submitters: Uncertain significance (3); Likely benign (1). Last evaluated 2026-08-06.

Conditions:
Hereditary diffuse gastric adenocarcinoma (HDGC). Also called: DIFFUSE GASTRIC AND LOBULAR BREAST CANCER SYNDROME. Identifiers: Orphanet 26106, MedGen C1708349, MONDO:0007648, OMIM 137215.
Hereditary cancer-predisposing syndrome. Also called: Neoplastic Syndromes, Hereditary; Hereditary Cancer Syndrome; Hereditary neoplastic syndrome; Tumor predisposition. Identifiers: Orphanet 140162, MedGen C0027672, MeSH D009386, MONDO:0015356.
Ovarian cancer. Also called: OVARIAN CANCER, SOMATIC. Identifiers: Orphanet 213500, MedGen C1140680, MONDO:0008170, OMIM 167000.

Allele frequency attached by ClinVar (database versions not stated): TOPMed below 0.00001.

Submissions (4):

OLLIN Analises Genomicas, OLLIN
Classification: Uncertain significance for Ovarian cancer. Last evaluated: 2026-08-06. Review status: criteria provided, single submitter. Criteria: ACMG Guidelines 2015 PMID 25741868. Collection method: clinical testing. Allele origin: germline.
Comment: This missense variant, located in exon 4 (of 16), is absent from gnomAD and has not been identified in the literature. However, it has been reported in ClinVar (accession VCV000582184.14). In silico analysis is inconclusive regarding the impact of this variant. According to the currently available evidence, this variant has been classified as uncertain significance (PM2_P).

Ambry Genetics
Classification: Likely benign for Hereditary cancer-predisposing syndrome. Last evaluated: 2026-07-08. Review status: criteria provided, single submitter. Criteria: Ambry Variant Classification Scheme 2023. Collection method: clinical testing. Allele origin: germline.

Mendelics
Classification: Uncertain significance for Hereditary diffuse gastric cancer. Last evaluated: 2018-07-02. Review status: criteria provided, single submitter. Criteria: Mendelics Assertion Criteria 2017. Collection method: clinical testing. Allele origin: unknown.

Labcorp Genetics (formerly Invitae), Labcorp
Classification: Uncertain significance for Hereditary diffuse gastric adenocarcinoma. Last evaluated: 2018-02-15. Review status: criteria provided, single submitter. Criteria: Invitae Variant Classification Sherloc (09022015). Collection method: clinical testing. Allele origin: germline.
Comment: In summary, the available evidence is currently insufficient to determine the role of this variant in disease. Therefore, it has been classified as a Variant of Uncertain Significance. Algorithms developed to predict the effect of missense changes on protein structure and function do not agree on the potential impact of this missense change (SIFT: "Deleterious"; PolyPhen-2: "Benign"; Align-GVGD: "Class C0"). This variant has not been reported in the literature in individuals with CDH1-related disease. This variant is not present in population databases (ExAC no frequency). This sequence change replaces leucine with phenylalanine at codon 139 of the CDH1 protein (p.Leu139Phe). The leucine residue is weakly conserved and there is a small physicochemical difference between leucine and phenylalanine.